The following is an entry in ClinVar:

NM_018124.4(RFWD3):c.2083A>G (p.Thr695Ala)

Gene: RFWD3 (ring finger and WD repeat domain 3; minus strand). Cytogenetic location: 16q23.1.
Variant type: single nucleotide variant.
Coding change: c.2083A>G on transcript NM_018124.4 (MANE Select); coding-DNA position 2083, A replaced by G.
Protein change: p.Thr695Ala; replaces threonine 695 with alanine.
Molecular consequence: missense variant.
Genome position (GRCh38, 1-based): chr16:74,626,441, T>C on the plus strand (A>G on the coding strand, the complement: RFWD3 is on the minus strand). VCF-style: chr16-74626441-T-C. GRCh37 (hg19) VCF-style: chr16-74660339-T-C.
Other names: c.2083A>G, p.Thr695Ala (NM_001370534.1, NM_001370535.1); c.1906A>G, p.Thr636Ala (NM_001370536.1); c.1249A>G, p.Thr417Ala (NM_001370537.1, NM_001370539.1, NM_001370540.1 and 3 more transcripts); short protein forms T695A, T417A, T636A.
Identifiers: ClinVar variation 2787165 (VCV002787165.3), dbSNP rs1238813457, ClinGen allele CA396759372.

ClinVar aggregate classification (germline): Uncertain significance (1 of 4 stars; one submission).

Allele frequency attached by ClinVar (database versions not stated): gnomAD 0.00001.
gnomAD v4.1: 4 of 1,614,084 alleles (0.00025%); highest among the groups gnomAD compares: South Asian, 0.0033%; no homozygotes.

Submission:

Labcorp Genetics (formerly Invitae), Labcorp
Classification: Uncertain significance. Last evaluated: 2023-02-27. Review status: criteria provided, single submitter. Criteria: Invitae Variant Classification Sherloc (09022015). Collection method: clinical testing. Allele origin: germline.
Comment: In summary, the available evidence is currently insufficient to determine the role of this variant in disease. Therefore, it has been classified as a Variant of Uncertain Significance. Algorithms developed to predict the effect of missense changes on protein structure and function output the following: SIFT: "Not Available"; PolyPhen-2: "Benign"; Align-GVGD: "Not Available". The alanine amino acid residue is found in multiple mammalian species, which suggests that this missense change does not adversely affect protein function. This variant has not been reported in the literature in individuals affected with RFWD3-related conditions. This variant is present in population databases (no rsID available, gnomAD 0.003%). This sequence change replaces threonine, which is neutral and polar, with alanine, which is neutral and non-polar, at codon 695 of the RFWD3 protein (p.Thr695Ala).